The following is an entry in ClinVar:

NM_001008216.2(GALE):c.534G>A (p.Trp178Ter)

Gene: GALE (UDP-galactose-4-epimerase; minus strand). Cytogenetic location: 1p36.11.
Variant type: single nucleotide variant.
Coding change: c.534G>A on transcript NM_001008216.2 (MANE Select); coding-DNA position 534, G replaced by A.
Protein change: p.Trp178Ter; replaces tryptophan 178 with a stop codon.
Molecular consequence: nonsense.
Genome position (GRCh38, 1-based): chr1:23,797,142, C>T on the plus strand (G>A on the coding strand, the complement: GALE is on the minus strand). VCF-style: chr1-23797142-C-T. GRCh37 (hg19) VCF-style: chr1-24123632-C-T.
Other names: c.534G>A, p.Trp178Ter (NM_000403.4, NM_001127621.2); short protein forms W178*.
Identifiers: ClinVar variation 2693656 (VCV002693656.3), dbSNP rs1638984968, ClinGen allele CA339009697.

ClinVar aggregate classification (germline): Pathogenic (1 of 4 stars; one submission).

Conditions:
UDPglucose-4-epimerase deficiency. Also called: UDPglucose 4-Epimerase Deficiency Disease; Epimerase Deficiency Galactosemia; GALACTOSEMIA III; GALE DEFICIENCY; UDP-GALACTOSE-4-EPIMERASE DEFICIENCY; Galactose epimerase deficiency. Identifiers: Orphanet 352, Orphanet 79238, MedGen C0751161, MONDO:0009257, OMIM 230350.

Allele frequency attached by ClinVar (database versions not stated): gnomAD exomes below 0.00001; TOPMed below 0.00001; gnomAD 0.00001.
gnomAD v4.1: 4 of 1,605,758 alleles (0.00025%); highest among the groups gnomAD compares: Non-Finnish European, 0.00034%; no homozygotes.

Submission:

Labcorp Genetics (formerly Invitae), Labcorp
Classification: Pathogenic for UDPglucose-4-epimerase deficiency. Last evaluated: 2023-06-06. Review status: criteria provided, single submitter. Criteria: Invitae Variant Classification Sherloc (09022015). Collection method: clinical testing. Allele origin: germline.
Comment: For these reasons, this variant has been classified as Pathogenic. This variant has not been reported in the literature in individuals affected with GALE-related conditions. This variant is not present in population databases (gnomAD no frequency). This sequence change creates a premature translational stop signal (p.Trp178*) in the GALE gene. It is expected to result in an absent or disrupted protein product. Loss-of-function variants in GALE are known to be pathogenic (PMID: 16301867).

Literature cited by the submitters: PubMed 16301867.